The following is an entry in ClinVar:

ClinVar aggregate classification (germline): Uncertain significance (1 of 4 stars; one submission).

Conditions:
Familial sleep-related hypermotor epilepsy. Also called: Autosomal Dominant Sleep-Related Hypermotor (Hyperkinetic) Epilepsy. Identifiers: Orphanet 98784, MedGen C3696898, MONDO:0000030.

Submission:

Labcorp Genetics (formerly Invitae), Labcorp
Classification: Uncertain significance for Familial sleep-related hypermotor epilepsy. Last evaluated: 2022-07-26. Review status: criteria provided, single submitter. Criteria: Invitae Variant Classification Sherloc (09022015). Collection method: clinical testing. Allele origin: germline.
Comment: This variant is not present in population databases (gnomAD no frequency). In summary, the available evidence is currently insufficient to determine the role of this variant in disease. Therefore, it has been classified as a Variant of Uncertain Significance. Algorithms developed to predict the effect of missense changes on protein structure and function are either unavailable or do not agree on the potential impact of this missense change (SIFT: "Deleterious"; PolyPhen-2: "Benign"; Align-GVGD: "Class C65"). This variant has not been reported in the literature in individuals affected with PRIMA1-related conditions. This sequence change replaces proline, which is neutral and non-polar, with histidine, which is basic and polar, at codon 57 of the PRIMA1 protein (p.Pro57His).

NM_178013.4(PRIMA1):c.170C>A (p.Pro57His)

Gene: PRIMA1 (proline rich membrane anchor 1; minus strand). Cytogenetic location: 14q32.12.
Variant type: single nucleotide variant.
Coding change: c.170C>A on transcript NM_178013.4 (MANE Select); coding-DNA position 170, C replaced by A.
Protein change: p.Pro57His; replaces proline 57 with histidine.
Molecular consequence: missense variant.
Genome position (GRCh38, 1-based): chr14:93,779,235, G>T on the plus strand (C>A on the coding strand, the complement: PRIMA1 is on the minus strand). VCF-style: chr14-93779235-G-T. GRCh37 (hg19) VCF-style: chr14-94245581-G-T.
Other names: short protein forms P57H.
Identifiers: ClinVar variation 1713851 (VCV001713851.6), dbSNP rs2503456098, ClinGen allele CA391145835.